The following is an entry in ClinVar:

NM_001164508.2(NEB):c.7253G>A (p.Trp2418Ter)

Gene: NEB (nebulin; minus strand). Cytogenetic location: 2q23.3.
Variant type: single nucleotide variant.
Coding change: c.7253G>A on transcript NM_001164508.2 (MANE Select); coding-DNA position 7253, G replaced by A.
Protein change: p.Trp2418Ter; replaces tryptophan 2418 with a stop codon.
Molecular consequence: nonsense.
Genome position (GRCh38, 1-based): chr2:151,650,354, C>T on the plus strand (G>A on the coding strand, the complement: NEB is on the minus strand). VCF-style: chr2-151650354-C-T. GRCh37 (hg19) VCF-style: chr2-152506868-C-T.
Other names: NM_001164508.2(NEB):c.7253G>A; p.Trp2418Ter; c.7253G>A, p.Trp2418Ter (NM_001164507.2, NM_001271208.2, NM_004543.5); short protein forms W2418*.
Identifiers: ClinVar variation 656677 (VCV000656677.7), dbSNP rs1575122070, ClinGen allele CA348788733.

ClinVar aggregate classification (germline): Pathogenic/Likely pathogenic. Review status: criteria provided, multiple submitters, no conflicts (2 of 4 stars). 2 submissions from 2 submitters: Pathogenic (1); Likely pathogenic (1). Last evaluated 2025-03-18.

Conditions:
Nemaline myopathy 2 (NEM2). Also called: Nemaline myopathy 2, autosomal recessive. Identifiers: MedGen C1850569, MONDO:0009725, OMIM 256030.
Nemaline myopathy. Also called: Myopathies, Nemaline. Identifiers: Orphanet 607, MedGen C0206157, MONDO:0018958.

Allele frequency attached by ClinVar (database versions not stated): gnomAD exomes below 0.00001.
gnomAD v4.1: 1 of 1,613,876 alleles (0.000062%); highest among the groups gnomAD compares: Non-Finnish European, 0.000085%; no homozygotes.

Submissions (2):

Broad Center for Mendelian Genomics, Broad Institute of MIT and Harvard
Classification: Likely pathogenic for Nemaline myopathy. Last evaluated: 2025-03-18. Review status: criteria provided, single submitter. Criteria: ACMG Guidelines, 2015. Collection method: curation. Allele origin: germline. Inheritance: Autosomal recessive inheritance.
Comment: The p.Trp2418Ter variant in NEB has not been previously reported in the literature in individuals with nemaline myopathy, but has been identified in 0.00008% (1/1179814) European (non-Finnish) chromosomes by the Genome Aggregation Database (gnomAD; dbSNP ID: rs1575122070). Although this variant has been seen in the general population in a heterozygous state, its frequency is low enough to be consistent with a recessive carrier frequency. This variant has also been reported in ClinVar (Variation ID: 656677) and has been interpreted as pathogenic by Invitae. This nonsense variant leads to a premature termination codon at position 2418, which is predicted to lead to a truncated or absent protein. Loss of function of the NEB gene is an established disease mechanism in autosomal recessive nemaline myopathy. In summary, although additional studies are required to fully establish its clinical significance, this variant is likely pathogenic for autosomal recessive nemaline myopathy. ACMG/AMP Criteria applied: PVS1, PM2_supporting (Richards 2015).

Labcorp Genetics (formerly Invitae), Labcorp
Classification: Pathogenic for Nemaline myopathy 2. Last evaluated: 2021-08-16. Review status: criteria provided, single submitter. Criteria: Invitae Variant Classification Sherloc (09022015). Collection method: clinical testing. Allele origin: germline.
Comment: This sequence change creates a premature translational stop signal (p.Trp2418*) in the NEB gene. It is expected to result in an absent or disrupted protein product. This variant is not present in population databases (ExAC no frequency). This variant has not been reported in the literature in individuals with NEB-related disease. Algorithms developed to predict the effect of sequence changes on RNA splicing suggest that this variant may create or strengthen a splice site, but this prediction has not been confirmed by published transcriptional studies. Loss-of-function variants in NEB are known to be pathogenic (PMID: 25205138). For these reasons, this variant has been classified as Pathogenic.

Literature cited by the submitters: PubMed 25205138 (cited by Labcorp Genetics (formerly Invitae), Labcorp).